The following is an entry in ClinVar:

ClinVar aggregate classification (germline): Uncertain significance (1 of 4 stars; one submission).

Conditions:
MEIS2-related disorder.

gnomAD v4.1: 19 of 1,610,932 alleles (0.0012%); highest among the groups gnomAD compares: Non-Finnish European, 0.0014%; no homozygotes.

Submission:

PreventionGenetics, part of Exact Sciences
Classification: Uncertain significance for MEIS2-related condition. Last evaluated: 2025-07-18. Review status: criteria provided, single submitter. Criteria: ACMG Guidelines, 2015. Collection method: clinical testing. Allele origin: germline.
Comment: The MEIS2 c.205G>T variant is predicted to result in the amino acid substitution p.Val69Phe. To our knowledge, this variant has not been reported in the literature or in a large population database (gnomAD), indicating this variant is rare. At this time, the clinical significance of this variant is uncertain due to the absence of conclusive functional and genetic evidence.

NM_170675.5(MEIS2):c.205G>T (p.Val69Phe)

Gene: MEIS2 (Meis homeobox 2; minus strand). Cytogenetic location: 15q14.
Variant type: single nucleotide variant.
Coding change: c.205G>T on transcript NM_170675.5 (MANE Select); coding-DNA position 205, G replaced by T.
Protein change: p.Val69Phe; replaces valine 69 with phenylalanine.
Molecular consequence: missense variant. On other transcripts: 5 prime UTR variant (1), non-coding transcript variant (1).
Genome position (GRCh38, 1-based): chr15:37,098,007, C>A on the plus strand (G>T on the coding strand, the complement: MEIS2 is on the minus strand). VCF-style: chr15-37098007-C-A. GRCh37 (hg19) VCF-style: chr15-37390208-C-A.
Other names: c.205G>T, p.Val69Phe (NM_001220482.2, NM_170674.5, NM_170676.5 and 1 more transcripts); c.166G>T, p.Val56Phe (NM_002399.4, NM_172315.3); c.-37G>T (NM_172316.3); short protein forms V56F, V69F.
Identifiers: ClinVar variation 4980251 (VCV004980251.1).